The following is an entry in ClinVar:

ClinVar aggregate classification (germline): Uncertain significance (1 of 4 stars; one submission).

Conditions:
Long chain 3-hydroxyacyl-CoA dehydrogenase deficiency. Also called: LCHAD Deficiency; Deficiency of long-chain 3-hydroxyacyl-coenzyme A dehydrogenase. Identifiers: Orphanet 5, MedGen C3711645, MONDO:0012173, OMIM 609016.
Mitochondrial trifunctional protein deficiency. Identifiers: Orphanet 746, MedGen C1969443, MONDO:0012172.

Allele frequency attached by ClinVar (database versions not stated): ExAC 0.00001.

Submission:

Labcorp Genetics (formerly Invitae), Labcorp
Classification: Uncertain significance for Mitochondrial trifunctional protein deficiency; Long chain 3-hydroxyacyl-CoA dehydrogenase deficiency. Last evaluated: 2022-10-23. Review status: criteria provided, single submitter. Criteria: Invitae Variant Classification Sherloc (09022015). Collection method: clinical testing. Allele origin: germline.
Comment: This sequence change falls in intron 8 of the HADHA gene. It does not directly change the encoded amino acid sequence of the HADHA protein. It affects a nucleotide within the consensus splice site. This variant is not present in population databases (gnomAD no frequency). In summary, the available evidence is currently insufficient to determine the role of this variant in disease. Therefore, it has been classified as a Variant of Uncertain Significance. Variants that disrupt the consensus splice site are a relatively common cause of aberrant splicing (PMID: 17576681, 9536098). Algorithms developed to predict the effect of sequence changes on RNA splicing suggest that this variant may disrupt the consensus splice site. This variant has been observed in individual(s) with long chain 3-hydroxyacyl-CoA dehydrogenase deficiency (Invitae).

Literature cited by the submitters: PubMed 17576681; PubMed 9536098.

NM_000182.5(HADHA):c.799+5G>A

Gene: HADHA (hydroxyacyl-CoA dehydrogenase trifunctional multienzyme complex subunit alpha; minus strand). Cytogenetic location: 2p23.3.
Variant type: single nucleotide variant.
Coding change: c.799+5G>A on transcript NM_000182.5 (MANE Select); 5 bases into the intron after coding-DNA position 799, G replaced by A.
Molecular consequence: intron variant.
Genome position (GRCh38, 1-based): chr2:26,215,048, C>T on the plus strand (G>A on the coding strand, the complement: HADHA is on the minus strand). VCF-style: chr2-26215048-C-T. GRCh37 (hg19) VCF-style: chr2-26437917-C-T.
Identifiers: ClinVar variation 2177625 (VCV002177625.4), dbSNP rs769162820, ClinGen allele CA1559785.